The following is an entry in ClinVar:

NM_021813.4(BACH2):c.41A>G (p.Tyr14Cys)

Gene: BACH2 (BACH transcriptional regulator 2; minus strand). Cytogenetic location: 6q15.
Variant type: single nucleotide variant.
Coding change: c.41A>G on transcript NM_021813.4 (MANE Select); coding-DNA position 41, A replaced by G.
Protein change: p.Tyr14Cys; replaces tyrosine 14 with cysteine.
Molecular consequence: missense variant.
Genome position (GRCh38, 1-based): chr6:90,008,804, T>C on the plus strand (A>G on the coding strand, the complement: BACH2 is on the minus strand). VCF-style: chr6-90008804-T-C. GRCh37 (hg19) VCF-style: chr6-90718523-T-C.
Other names: c.41A>G, p.Tyr14Cys (NM_001170794.2); short protein forms Y14C.
Identifiers: ClinVar variation 3638537 (VCV003638537.2).

ClinVar aggregate classification (germline): Uncertain significance (1 of 4 stars; one submission).

Submission:

Labcorp Genetics (formerly Invitae), Labcorp
Classification: Uncertain significance. Last evaluated: 2024-02-02. Review status: criteria provided, single submitter. Criteria: Invitae Variant Classification Sherloc (09022015). Collection method: clinical testing. Allele origin: germline.
Comment: This sequence change replaces tyrosine, which is neutral and polar, with cysteine, which is neutral and slightly polar, at codon 14 of the BACH2 protein (p.Tyr14Cys). This variant is not present in population databases (gnomAD no frequency). This variant has not been reported in the literature in individuals affected with BACH2-related conditions. Advanced modeling of protein sequence and biophysical properties (such as structural, functional, and spatial information, amino acid conservation, physicochemical variation, residue mobility, and thermodynamic stability) performed at Invitae indicates that this missense variant is expected to disrupt BACH2 protein function with a positive predictive value of 80%. In summary, the available evidence is currently insufficient to determine the role of this variant in disease. Therefore, it has been classified as a Variant of Uncertain Significance.